The following is an entry in ClinVar:

NM_173477.5(USH1G):c.478C>G (p.Arg160Gly)

Gene: USH1G (USH1 protein network component sans; minus strand). Cytogenetic location: 17q25.1.
Variant type: single nucleotide variant.
Coding change: c.478C>G on transcript NM_173477.5 (MANE Select); coding-DNA position 478, C replaced by G.
Protein change: p.Arg160Gly; replaces arginine 160 with glycine.
Molecular consequence: missense variant.
Genome position (GRCh38, 1-based): chr17:74,920,358, G>C on the plus strand (C>G on the coding strand, the complement: USH1G is on the minus strand). VCF-style: chr17-74920358-G-C. GRCh37 (hg19) VCF-style: chr17-72916453-G-C.
Other names: USH1G; c.169C>G, p.Arg57Gly (NM_001282489.3); short protein forms R160G, R57G.
Identifiers: ClinVar variation 325055 (VCV000325055.9), dbSNP rs376527217, ClinGen allele CA8754068.
Genomic context (GRCh38, chr17:74,920,358, plus strand): 5'-TGGAGAAGCTGAGGGTGTCGGAACGCTCGGCCAGCTCGCGCCGGTATCGCCGCTCCATGC[G>C]TTCGTGGTGCCTCCGCTGCAGCTTGGCGCACTCGCGGATGCGCCGCTCCGCCTCGCGGAA-3'
Protein context (NP_775748.2, residues 150-170): CAKLQRRHHE[Arg160Gly]MERRYRRELA

ClinVar aggregate classification (germline): Uncertain significance. Review status: criteria provided, multiple submitters, no conflicts (2 of 4 stars). 3 submissions from 3 submitters: Uncertain significance (3). Last evaluated 2024-12-15.

Conditions:
Usher syndrome type 1G. Also called: USHER SYNDROME, TYPE IG, MILD. Identifiers: Orphanet 231169, Orphanet 886, MedGen C1847089, MONDO:0011748, OMIM 606943.

Allele frequency attached by ClinVar (database versions not stated): TOPMed 0.00002; gnomAD 0.00006; ESP Exome Variant Server 0.00008.

Submissions (3):

Laboratory of Prof. Karen Avraham, Tel Aviv University
Classification: Uncertain significance for Usher syndrome type 1G. Last evaluated: 2024-12-15. Review status: criteria provided, single submitter. Criteria: ACMG Guidelines, 2015. Collection method: research. Allele origin: germline. Affected: yes. Observed: 1 variant allele.
Comment: The USH1G c.478C>G:p.(Arg160Gly) variant, predicted deleterioos, is very rare in most populations but more prevalent among Ashkenazi Jews, suggesting a founder effect. ;

Labcorp Genetics (formerly Invitae), Labcorp
Classification: Uncertain significance. Last evaluated: 2022-07-20. Review status: criteria provided, single submitter. Criteria: Invitae Variant Classification Sherloc (09022015). Collection method: clinical testing. Allele origin: germline.
Comment: This sequence change replaces arginine, which is basic and polar, with glycine, which is neutral and non-polar, at codon 160 of the USH1G protein (p.Arg160Gly). This variant is present in population databases (rs376527217, gnomAD 0.2%). This variant has not been reported in the literature in individuals affected with USH1G-related conditions. ClinVar contains an entry for this variant (Variation ID: 325055). Algorithms developed to predict the effect of missense changes on protein structure and function are either unavailable or do not agree on the potential impact of this missense change (SIFT: "Not Available"; PolyPhen-2: "Possibly Damaging"; Align-GVGD: "Not Available"). In summary, the available evidence is currently insufficient to determine the role of this variant in disease. Therefore, it has been classified as a Variant of Uncertain Significance.

Illumina Laboratory Services, Illumina
Classification: Uncertain significance for Usher syndrome type 1G. Last evaluated: 2018-01-13. Review status: criteria provided, single submitter. Criteria: ICSL Variant Classification Criteria 13 December 2019. Collection method: clinical testing. Allele origin: germline.